The following is an entry in ClinVar:

NM_003052.5(SLC34A1):c.580G>A (p.Gly194Ser)

Gene: SLC34A1 (solute carrier family 34 member 1; plus strand). Cytogenetic location: 5q35.3.
Variant type: single nucleotide variant.
Coding change: c.580G>A on transcript NM_003052.5 (MANE Select); coding-DNA position 580, G replaced by A.
Protein change: p.Gly194Ser; replaces glycine 194 with serine.
Molecular consequence: missense variant.
Genome position (GRCh38, 1-based): chr5:177,387,809, G>A. VCF-style: chr5-177387809-G-A. GRCh37 (hg19) VCF-style: chr5-176814810-G-A.
Other names: c.580G>A (NM_003052.4); c.580G>A, p.Gly194Ser (NM_001167579.2); short protein forms G194S.
Identifiers: ClinVar variation 1050980 (VCV001050980.18), dbSNP rs370983881, ClinGen allele CA3580439.

ClinVar aggregate classification (germline): Uncertain significance. Review status: criteria provided, multiple submitters, no conflicts (2 of 4 stars). 7 submissions from 7 submitters: Uncertain significance (7). Last evaluated 2025-12-02.

Conditions:
Inborn genetic diseases. Identifiers: MedGen C0950123, MeSH D030342.
Hypophosphatemic nephrolithiasis/osteoporosis 1. Identifiers: Orphanet 244305, MedGen C2676786, MONDO:0012850, OMIM 612286.
Fanconi renotubular syndrome 2 (FRTS2). Identifiers: MedGen C3150652, MONDO:0013247, OMIM 613388.
Hypercalcemia, infantile, 2 (HCINF2). Identifiers: Orphanet 300547, MedGen C4310473, MONDO:0014851, OMIM 616963.
SLC34A1-related disorder. Also called: SLC34A1-related disorders; SLC34A1-related condition.

Allele frequency attached by ClinVar (database versions not stated): ExAC 0.00002; ESP Exome Variant Server 0.00008.

Submissions (7):

MVZ Medizinische Genetik Mainz
Classification: Uncertain significance for Hypophosphatemic nephrolithiasis/osteoporosis 1. Last evaluated: 2025-12-02. Review status: criteria provided, single submitter. Criteria: UK Practice Guidelines For Variant Classification V4 01 2020. Collection method: clinical testing. Allele origin: germline. Inheritance: Autosomal dominant inheritance. Affected: yes. Observed: 1 variant allele.

Ambry Genetics
Classification: Uncertain significance for Inborn genetic diseases. Last evaluated: 2025-08-03. Review status: criteria provided, single submitter. Criteria: Ambry Variant Classification Scheme 2023. Collection method: clinical testing. Allele origin: germline.

Blueprint Genetics
Classification: Uncertain significance. Last evaluated: 2024-02-14. Review status: criteria provided, single submitter. Criteria: ACMG Guidelines, 2015. Collection method: clinical testing. Allele origin: germline.

Fulgent Genetics
Classification: Uncertain significance for Hypophosphatemic nephrolithiasis/osteoporosis 1; Fanconi renotubular syndrome 2; Hypercalcemia, infantile, 2. Last evaluated: 2024-01-10. Review status: criteria provided, single submitter. Criteria: ACMG Guidelines, 2015. Collection method: clinical testing. Allele origin: germline.

Labcorp Genetics (formerly Invitae), Labcorp
Classification: Uncertain significance. Last evaluated: 2023-07-09. Review status: criteria provided, single submitter. Criteria: Invitae Variant Classification Sherloc (09022015). Collection method: clinical testing. Allele origin: germline.
Comment: This sequence change replaces glycine, which is neutral and non-polar, with serine, which is neutral and polar, at codon 194 of the SLC34A1 protein (p.Gly194Ser). This variant is present in population databases (rs370983881, gnomAD 0.02%). This variant has not been reported in the literature in individuals affected with SLC34A1-related conditions. ClinVar contains an entry for this variant (Variation ID: 1050980). Advanced modeling of protein sequence and biophysical properties (such as structural, functional, and spatial information, amino acid conservation, physicochemical variation, residue mobility, and thermodynamic stability) performed at Invitae indicates that this missense variant is expected to disrupt SLC34A1 protein function. In summary, the available evidence is currently insufficient to determine the role of this variant in disease. Therefore, it has been classified as a Variant of Uncertain Significance.

PreventionGenetics, part of Exact Sciences
Classification: Uncertain significance for SLC34A1-related condition. Last evaluated: 2023-03-30. Review status: criteria provided, single submitter. Criteria: ACMG Guidelines, 2015. Collection method: clinical testing. Allele origin: germline.
Comment: The SLC34A1 c.580G>A variant is predicted to result in the amino acid substitution p.Gly194Ser. To our knowledge, this variant has not been reported in the literature. This variant is reported in 0.019% of alleles in individuals of Ashkenazi Jewish descent in gnomAD. At this time, the clinical significance of this variant is uncertain due to the absence of conclusive functional and genetic evidence.

Revvity Omics, Revvity
Classification: Uncertain significance. Last evaluated: 2021-05-27. Review status: criteria provided, single submitter. Criteria: ACMG Guidelines, 2015. Collection method: clinical testing. Allele origin: germline.